The following is an entry in ClinVar:

ClinVar aggregate classification (germline): Pathogenic. Review status: criteria provided, multiple submitters, no conflicts (2 of 4 stars). 2 submissions from 2 submitters: Pathogenic (2). Last evaluated 2023-08-20.

Conditions:
Acyl-CoA oxidase deficiency. Also called: Peroxisomal acyl-CoA oxidase deficiency; STRAIGHT-CHAIN ACYL-CoA OXIDASE DEFICIENCY; Pseudoneonatal adrenoleukodystrophy. Identifiers: Orphanet 2971, MedGen C1849678, MONDO:0009919, OMIM 264470. Disease mechanism: loss of function.
Mitchell syndrome. Identifiers: Orphanet 631248, MedGen C5394554, MONDO:0030073, OMIM 618960.

Allele frequency attached by ClinVar (database versions not stated): gnomAD exomes below 0.00001 and 0.00001; ExAC 0.00001; gnomAD 0.00001; 1000 Genomes Project 30x 0.00016; 1000 Genomes Project 0.00020.
gnomAD v4.1: 7 of 1,614,036 alleles (0.00043%); highest among the groups gnomAD compares: African/African-American, 0.0013%; no homozygotes.

Submissions (2):

Baylor Genetics
Classification: Pathogenic for Mitchell syndrome. Last evaluated: 2023-08-20. Review status: criteria provided, single submitter. Criteria: ACMG Guidelines, 2015. Collection method: clinical testing. Allele origin: unknown.

Diagnostics Services (NGS), CSIR - Centre For Cellular And Molecular Biology
Classification: Pathogenic for Acyl-CoA oxidase deficiency. Last evaluated: 2022-01-17. Review status: criteria provided, single submitter. Criteria: ACMG Guidelines, 2015. Collection method: clinical testing. Allele origin: germline. Inheritance: Autosomal recessive inheritance. Affected: yes. Observed: 1 variant allele, 1 homozygote.
Comment: The c.904C>T variant is not present in publicly available population databases like Exome Variant Server (EVS) and Indian Exome Database. The heterozygous state of the variant is present in 1000 Genomes, Exome Aggregation Consortium (ExAC), Genome Aggregation Database (gnomAD) and dbSNP at a very low frequency. The variant is not present in our in-house exome database. The variant was earlier identified in patient affected with Peroxisomal acyl-CoA oxidase deficiency (PMID: 17458872) and reported to Human Genome Mutation Database (HGMD ID: CM073995). In-silico pathogenicity prediction programs like MutationTaster2, CADD, Varsome, InterVar etc. predicted this variant to be likely deleterious.

Literature cited by the submitters: PubMed 17458872 (cited by Diagnostics Services (NGS), CSIR - Centre For Cellular And Molecular Biology).

NM_004035.7(ACOX1):c.904C>T (p.Arg302Ter)

Gene: ACOX1 (acyl-CoA oxidase 1; minus strand). Cytogenetic location: 17q25.1.
Variant type: single nucleotide variant.
Coding change: c.904C>T on transcript NM_004035.7 (MANE Select); coding-DNA position 904, C replaced by T.
Protein change: p.Arg302Ter; replaces arginine 302 with a stop codon.
Molecular consequence: nonsense.
Genome position (GRCh38, 1-based): chr17:75,953,491, G>A on the plus strand (C>T on the coding strand, the complement: ACOX1 is on the minus strand). VCF-style: chr17-75953491-G-A. GRCh37 (hg19) VCF-style: chr17-73949572-G-A.
Other names: c.790C>T, p.Arg264Ter (NM_001185039.2); c.904C>T, p.Arg302Ter (NM_007292.6); short protein forms R264*, R302*.
Identifiers: ClinVar variation 1691302 (VCV001691302.5), dbSNP rs536723496, ClinGen allele CA8776897.